The following is an entry in ClinVar:

NM_000090.4(COL3A1):c.4226C>G (p.Thr1409Ser)

Gene: COL3A1 (collagen type III alpha 1 chain; plus strand). Cytogenetic location: 2q32.2.
Variant type: single nucleotide variant.
Coding change: c.4226C>G on transcript NM_000090.4 (MANE Select); coding-DNA position 4226, C replaced by G.
Protein change: p.Thr1409Ser; replaces threonine 1409 with serine.
Molecular consequence: missense variant.
Genome position (GRCh38, 1-based): chr2:189,010,862, C>G. VCF-style: chr2-189010862-C-G. GRCh37 (hg19) VCF-style: chr2-189875588-C-G.
Other names: short protein forms T1409S.
Identifiers: ClinVar variation 925876 (VCV000925876.4), dbSNP rs1688708929, ClinGen allele CA349849672.

ClinVar aggregate classification (germline): Uncertain significance (1 of 4 stars; one submission).

Conditions:
Familial thoracic aortic aneurysm and aortic dissection (TAAD). Also called: Thoracic aortic aneurysms and dissections. Identifiers: Orphanet 91387, MedGen C4707243, MONDO:0019625.

Submission:

Color Diagnostics, LLC DBA Color Health
Classification: Uncertain significance for Familial thoracic aortic aneurysm and aortic dissection. Last evaluated: 2024-03-06. Review status: criteria provided, single submitter. Criteria: ACMG Guidelines, 2015. Collection method: clinical testing. Allele origin: germline.
Comment: This missense variant replaces threonine with serine at codon 1409 of the COL3A1 protein. Computational prediction suggests that this variant may not impact protein structure and function (internally defined REVEL score threshold <= 0.5, PMID: 27666373). Splice site prediction tools suggest that this variant may not impact RNA splicing. To our knowledge, functional studies have not been performed for this variant. This variant has not been reported in individuals affected with cardiovascular disorders in the literature. This variant has not been identified in the general population by the Genome Aggregation Database (gnomAD). The available evidence is insufficient to determine the role of this variant in disease conclusively. Therefore, this variant is classified as a Variant of Uncertain Significance.